The following is an entry in ClinVar:

ClinVar aggregate classification (germline): Uncertain significance. Review status: criteria provided, multiple submitters, no conflicts (2 of 4 stars). 3 submissions from 3 submitters: Uncertain significance (3). Last evaluated 2026-05-28.

Conditions:
X-linked distal spinal muscular atrophy type 3. Also called: SPINAL MUSCULAR ATROPHY, DISTAL, X-LINKED RECESSIVE; ATP7A-Related Distal Motor Neuropathy; NEURONOPATHY, DISTAL HEREDITARY MOTOR, X-LINKED; NEUROPATHY, DISTAL HEREDITARY MOTOR, X-LINKED. Identifiers: Orphanet 139557, MedGen C1845359, MONDO:0010338, OMIM 300489.
Menkes kinky-hair syndrome (MNK). Also called: Copper transport disease; Menkes Disease; Classic Menkes Disease. Identifiers: Orphanet 565, MedGen C0022716, MONDO:0010651, OMIM 309400.
Cutis laxa, X-linked (OHS). Also called: EDS IX; Occipital horn syndrome. Identifiers: Orphanet 198, MedGen C0268353, MONDO:0010572, OMIM 304150.

gnomAD v4.1: 1 of 1,209,400 alleles (0.000083%); highest among the groups gnomAD compares: Admixed American, 0.0022%; no homozygotes.

Submissions (3):

Victorian Clinical Genetics Services, Murdoch Childrens Research Institute
Classification: Uncertain significance for Menkes kinky-hair syndrome. Last evaluated: 2026-05-28. Review status: criteria provided, single submitter. Criteria: ACMG Guidelines, 2015. Collection method: clinical testing. Allele origin: germline. Affected: yes.
Comment: This variant is classified as VUS-3A. Evidence in support of pathogenic classification: Variant is present in gnomAD <0.01 (v4: 1 heterozygote(s), 0 homozygote(s), 0 hemizygote(s)); Missense variant predicted to be damaging by in silico tool(s) or highly conserved with a major amino acid change. Additional information: Variant is predicted to result in a missense amino acid change from Leu to Pro; This variant is hemizygous; This gene is associated with X-linked disease; Alternative amino acid change(s) at the same position are present in gnomAD (highest allele count: v4: 0 heterozygote(s), 0 homozygote(s), 1 hemizygote(s)); Previous evidence of pathogenicity for this variant is inconclusive. This variant has been classified as a VUS by a clinical laboratory in ClinVar; No published evidence of segregation with disease has been identified for this variant; No published functional evidence has been identified for this variant; No comparable missense variants have previous evidence for pathogenicity; Variant is located in the annotated haloacid dehalogenase-like hydrolase domain (DECIPHER); Loss of function is a known mechanism of disease in this gene and is associated with Menkes disease (MIM#309400), and occipital horn syndrome (MIM#304150). The mechanism of disease for neuronopathy, distal hereditary motor, X-linked (MIM# 300489) is not currently established (PMID: 20301586); Variants in this gene are known to have variable expressivity (PMID: 20301586).

Labcorp Genetics (formerly Invitae), Labcorp
Classification: Uncertain significance for X-linked distal spinal muscular atrophy type 3; Cutis laxa, X-linked; Menkes kinky-hair syndrome. Last evaluated: 2025-03-07. Review status: criteria provided, single submitter. Criteria: Invitae Variant Classification Sherloc (09022015). Collection method: clinical testing. Allele origin: germline.
Comment: This sequence change replaces leucine, which is neutral and non-polar, with proline, which is neutral and non-polar, at codon 1222 of the ATP7A protein (p.Leu1222Pro). This variant is not present in population databases (gnomAD no frequency). This variant has not been reported in the literature in individuals affected with ATP7A-related conditions. Invitae Evidence Modeling of protein sequence and biophysical properties (such as structural, functional, and spatial information, amino acid conservation, physicochemical variation, residue mobility, and thermodynamic stability) indicates that this missense variant is not expected to disrupt ATP7A protein function with a negative predictive value of 95%. In summary, the available evidence is currently insufficient to determine the role of this variant in disease. Therefore, it has been classified as a Variant of Uncertain Significance.

Blueprint Genetics
Classification: Uncertain significance. Last evaluated: 2023-05-03. Review status: criteria provided, single submitter. Criteria: ACMG Guidelines, 2015. Collection method: clinical testing. Allele origin: germline.

Literature cited by the submitters: PubMed 20301586 (cited by Victorian Clinical Genetics Services, Murdoch Childrens Research Institute).

NM_000052.7(ATP7A):c.3665T>C (p.Leu1222Pro)

Gene: ATP7A (ATPase copper transporting alpha; plus strand). Cytogenetic location: Xq21.1.
Variant type: single nucleotide variant.
Coding change: c.3665T>C on transcript NM_000052.7 (MANE Select); coding-DNA position 3665, T replaced by C.
Protein change: p.Leu1222Pro; replaces leucine 1222 with proline.
Molecular consequence: missense variant. On other transcripts: non-coding transcript variant (1).
Genome position (GRCh38, 1-based): chrX:78,040,597, T>C. VCF-style: chrX-78040597-T-C. GRCh37 (hg19) VCF-style: chrX-77296095-T-C.
Other names: c.3431T>C, p.Leu1144Pro (NM_001282224.2); short protein forms L1222P, L1144P.
Identifiers: ClinVar variation 4788139 (VCV004788139.3).